The following is an entry in ClinVar:

ClinVar aggregate classification (germline): Uncertain significance (1 of 4 stars; one submission).

Allele frequency attached by ClinVar (database versions not stated): gnomAD 0.00001; gnomAD exomes 0.00001; TOPMed 0.00001; ExAC 0.00005; ESP Exome Variant Server 0.00022.
gnomAD v4.1: 8 of 1,550,100 alleles (0.00052%); highest among the groups gnomAD compares: African/African-American, 0.0027%; no homozygotes.

Submission:

Labcorp Genetics (formerly Invitae), Labcorp
Classification: Uncertain significance. Last evaluated: 2022-07-06. Review status: criteria provided, single submitter. Criteria: Invitae Variant Classification Sherloc (09022015). Collection method: clinical testing. Allele origin: germline.
Comment: Algorithms developed to predict the effect of missense changes on protein structure and function are either unavailable or do not agree on the potential impact of this missense change (SIFT: "Tolerated"; PolyPhen-2: "Possibly Damaging"; Align-GVGD: "Class C0"). In summary, the available evidence is currently insufficient to determine the role of this variant in disease. Therefore, it has been classified as a Variant of Uncertain Significance. Algorithms developed to predict the effect of sequence changes on RNA splicing suggest that this variant may create or strengthen a splice site. This variant has not been reported in the literature in individuals affected with EYS-related conditions. This variant is present in population databases (rs368138752, gnomAD 0.004%). This sequence change replaces cysteine, which is neutral and slightly polar, with tyrosine, which is neutral and polar, at codon 2216 of the EYS protein (p.Cys2216Tyr).

NM_001142800.2(EYS):c.6647G>A (p.Cys2216Tyr)

Gene: EYS (EGF-like photoreceptor maintenance factor; minus strand). Cytogenetic location: 6q12.
Variant type: single nucleotide variant.
Coding change: c.6647G>A on transcript NM_001142800.2 (MANE Select); coding-DNA position 6647, G replaced by A.
Protein change: p.Cys2216Tyr; replaces cysteine 2216 with tyrosine.
Molecular consequence: missense variant.
Genome position (GRCh38, 1-based): chr6:64,066,416, C>T on the plus strand (G>A on the coding strand, the complement: EYS is on the minus strand). VCF-style: chr6-64066416-C-T. GRCh37 (hg19) VCF-style: chr6-64776309-C-T.
Other names: c.6647G>A, p.Cys2216Tyr (NM_001292009.2); short protein forms C2216Y.
Identifiers: ClinVar variation 1982492 (VCV001982492.4), dbSNP rs368138752, ClinGen allele CA3876890.